The following is an entry in ClinVar:

NM_001510.4(GRID2):c.2587G>A (p.Val863Ile)

Gene: GRID2 (glutamate ionotropic receptor delta type subunit 2; plus strand). Cytogenetic location: 4q22.2.
Variant type: single nucleotide variant.
Coding change: c.2587G>A on transcript NM_001510.4 (MANE Select); coding-DNA position 2587, G replaced by A.
Protein change: p.Val863Ile; replaces valine 863 with isoleucine.
Molecular consequence: missense variant.
Genome position (GRCh38, 1-based): chr4:93,769,436, G>A. VCF-style: chr4-93769436-G-A. GRCh37 (hg19) VCF-style: chr4-94690587-G-A.
Other names: c.2302G>A, p.Val768Ile (NM_001286838.1); short protein forms V768I, V863I.
Identifiers: ClinVar variation 3282705 (VCV003282705.2).

ClinVar aggregate classification (germline): Uncertain significance. Review status: criteria provided, multiple submitters, no conflicts (2 of 4 stars). 2 submissions from 2 submitters: Uncertain significance (2). Last evaluated 2025-07-25.

Conditions:
Inborn genetic diseases. Identifiers: MedGen C0950123, MeSH D030342.

gnomAD v4.1: 116 of 1,613,760 alleles (0.0072%); highest among the groups gnomAD compares: Middle Eastern, 0.033%; no homozygotes.

Submissions (2):

Labcorp Genetics (formerly Invitae), Labcorp
Classification: Uncertain significance. Last evaluated: 2025-07-25. Review status: criteria provided, single submitter. Criteria: Invitae Variant Classification Sherloc (09022015). Collection method: clinical testing. Allele origin: germline.
Comment: This sequence change replaces valine, which is neutral and non-polar, with isoleucine, which is neutral and non-polar, at codon 863 of the GRID2 protein (p.Val863Ile). This variant is present in population databases (rs199673377, gnomAD 0.03%). This variant has not been reported in the literature in individuals affected with GRID2-related conditions. ClinVar contains an entry for this variant (Variation ID: 3282705). Invitae Evidence Modeling of protein sequence and biophysical properties (such as structural, functional, and spatial information, amino acid conservation, physicochemical variation, residue mobility, and thermodynamic stability) indicates that this missense variant is not expected to disrupt GRID2 protein function with a negative predictive value of 80%. In summary, the available evidence is currently insufficient to determine the role of this variant in disease. Therefore, it has been classified as a Variant of Uncertain Significance.

Ambry Genetics
Classification: Uncertain significance for Inborn genetic diseases. Last evaluated: 2024-03-18. Review status: criteria provided, single submitter. Criteria: Ambry Variant Classification Scheme 2023. Collection method: clinical testing. Allele origin: germline.